The following is an entry in ClinVar:

ClinVar aggregate classification (germline): Uncertain significance. Review status: criteria provided, multiple submitters, no conflicts (2 of 4 stars). 2 submissions from 2 submitters: Uncertain significance (2). Last evaluated 2025-03-22.

Conditions:
Hereditary cancer-predisposing syndrome. Also called: Tumor predisposition; Hereditary neoplastic syndrome; Hereditary Cancer Syndrome; Neoplastic Syndromes, Hereditary. Identifiers: Orphanet 140162, MedGen C0027672, MeSH D009386, MONDO:0015356.
DICER1-related tumor predisposition. Also called: DICER1 syndrome; DICER1-related pleuropulmonary blastoma cancer predisposition syndrome. Identifiers: Orphanet 284343, MedGen C3839822, MONDO:0100216.

Allele frequency attached by ClinVar (database versions not stated): gnomAD exomes below 0.00001; TOPMed below 0.00001.
gnomAD v4.1: 1 of 1,613,436 alleles (0.000062%); highest among the groups gnomAD compares: Non-Finnish European, 0.000085%; no homozygotes.

Submissions (2):

Ambry Genetics
Classification: Uncertain significance for Hereditary cancer-predisposing syndrome. Last evaluated: 2025-03-22. Review status: criteria provided, single submitter. Criteria: Ambry Variant Classification Scheme 2023. Collection method: clinical testing. Allele origin: germline.
Comment: The p.T655I variant (also known as c.1964C>T), located in coding exon 11 of the DICER1 gene, results from a C to T substitution at nucleotide position 1964. The threonine at codon 655 is replaced by isoleucine, an amino acid with similar properties. This amino acid position is conserved. In addition, the in silico prediction for this alteration is inconclusive. Based on the available evidence, the clinical significance of this variant remains unclear.

Labcorp Genetics (formerly Invitae), Labcorp
Classification: Uncertain significance for DICER1-related tumor predisposition. Last evaluated: 2023-05-24. Review status: criteria provided, single submitter. Criteria: Invitae Variant Classification Sherloc (09022015). Collection method: clinical testing. Allele origin: germline.
Comment: Advanced modeling of protein sequence and biophysical properties (such as structural, functional, and spatial information, amino acid conservation, physicochemical variation, residue mobility, and thermodynamic stability) performed at Invitae indicates that this missense variant is not expected to disrupt DICER1 protein function. This sequence change replaces threonine, which is neutral and polar, with isoleucine, which is neutral and non-polar, at codon 655 of the DICER1 protein (p.Thr655Ile). This variant is not present in population databases (gnomAD no frequency). This variant has not been reported in the literature in individuals affected with DICER1-related conditions. ClinVar contains an entry for this variant (Variation ID: 1449802). In summary, the available evidence is currently insufficient to determine the role of this variant in disease. Therefore, it has been classified as a Variant of Uncertain Significance.

NM_177438.3(DICER1):c.1964C>T (p.Thr655Ile)

Gene: DICER1 (dicer 1, ribonuclease III; minus strand). Cytogenetic location: 14q32.13.
Variant type: single nucleotide variant.
Coding change: c.1964C>T on transcript NM_177438.3 (MANE Select); coding-DNA position 1964, C replaced by T.
Protein change: p.Thr655Ile; replaces threonine 655 with isoleucine.
Molecular consequence: missense variant.
Genome position (GRCh38, 1-based): chr14:95,113,168, G>A on the plus strand (C>T on the coding strand, the complement: DICER1 is on the minus strand). VCF-style: chr14-95113168-G-A. GRCh37 (hg19) VCF-style: chr14-95579505-G-A.
Other names: c.1964C>T, p.Thr655Ile (NM_001195573.1, NM_001271282.3, NM_001291628.2 and 1 more transcripts); c.1964C>T (NM_177438.2); short protein forms T655I.
Identifiers: ClinVar variation 1449802 (VCV001449802.8), dbSNP rs1892133207, ClinGen allele CA390883353.